The following is an entry in ClinVar:

NM_001184880.2(PCDH19):c.3235C>A (p.Pro1079Thr)

Gene: PCDH19 (protocadherin 19; minus strand). Cytogenetic location: Xq22.1.
Variant type: single nucleotide variant.
Coding change: c.3235C>A on transcript NM_001184880.2 (MANE Select); coding-DNA position 3235, C replaced by A.
Protein change: p.Pro1079Thr; replaces proline 1079 with threonine.
Molecular consequence: missense variant.
Genome position (GRCh38, 1-based): chrX:100,296,489, G>T on the plus strand (C>A on the coding strand, the complement: PCDH19 is on the minus strand). VCF-style: chrX-100296489-G-T. GRCh37 (hg19) VCF-style: chrX-99551487-G-T.
Other names: p.P1032T:CCT>ACT; c.3094C>A, p.Pro1032Thr (NM_001105243.2); c.3091C>A, p.Pro1031Thr (NM_020766.3); short protein forms P1032T, P1079T, P1031T.
Identifiers: ClinVar variation 206286 (VCV000206286.4), dbSNP rs200854927, ClinGen allele CA316219.

ClinVar aggregate classification (germline): Conflicting classifications of pathogenicity. Review status: criteria provided, conflicting classifications (1 of 4 stars). 3 submissions from 3 submitters: Uncertain significance (2); Likely benign (1). Last evaluated 2025-09-10.

Conditions:
Developmental and epileptic encephalopathy, 9 (DEE9). Also called: EPILEPSY, FEMALE-RESTRICTED, WITH MENTAL RETARDATION; Early infantile epileptic encephalopathy 9; JUBERG-HELLMAN SYNDROME; PCDH19-Related X-Linked Female-Limited Epilepsy with Mental Retardation. Identifiers: Orphanet 101039, Orphanet 2076, MedGen C1848137, MONDO:0010246, OMIM 300088. Disease mechanism: loss of function.
Inborn genetic diseases. Identifiers: MedGen C0950123, MeSH D030342.

gnomAD v4.1: 3 of 1,211,354 alleles (0.00025%); highest among the groups gnomAD compares: African/African-American, 0.0017%; no homozygotes.

Submissions (3):

Ambry Genetics
Classification: Uncertain significance for Inborn genetic diseases. Last evaluated: 2025-09-10. Review status: criteria provided, single submitter. Criteria: Ambry Variant Classification Scheme 2023. Collection method: clinical testing. Allele origin: germline.

Labcorp Genetics (formerly Invitae), Labcorp
Classification: Uncertain significance for Developmental and epileptic encephalopathy, 9. Last evaluated: 2024-07-25. Review status: criteria provided, single submitter. Criteria: Invitae Variant Classification Sherloc (09022015). Collection method: clinical testing. Allele origin: germline.
Comment: This sequence change replaces proline, which is neutral and non-polar, with threonine, which is neutral and polar, at codon 1079 of the PCDH19 protein (p.Pro1079Thr). This variant is not present in population databases (gnomAD no frequency). This variant has not been reported in the literature in individuals affected with PCDH19-related conditions. ClinVar contains an entry for this variant (Variation ID: 206286). Advanced modeling of protein sequence and biophysical properties (such as structural, functional, and spatial information, amino acid conservation, physicochemical variation, residue mobility, and thermodynamic stability) performed at Invitae indicates that this missense variant is not expected to disrupt PCDH19 protein function with a negative predictive value of 95%. In summary, the available evidence is currently insufficient to determine the role of this variant in disease. Therefore, it has been classified as a Variant of Uncertain Significance.

GeneDx
Classification: Likely benign. Last evaluated: 2014-12-16. Review status: criteria provided, single submitter. Criteria: GeneDx Variant Classification (06012015). Collection method: clinical testing. Allele origin: germline. Affected: yes.
Comment: This variant is considered likely benign or benign based on one or more of the following criteria: it is a conservative change, it occurs at a poorly conserved position in the protein, it is predicted to be benign by multiple in silico algorithms, and/or has population frequency not consistent with disease.